The following is an entry in ClinVar:

NM_001008537.3(NEXMIF):c.3308del (p.Pro1103fs)

Gene: NEXMIF (neurite extension and migration factor; minus strand). Cytogenetic location: Xq13.3.
Variant type: Deletion.
Coding change: c.3308del on transcript NM_001008537.3 (MANE Select); coding-DNA position 3308, one base deleted (C; older notation c.3308delC).
Protein change: p.Pro1103fs; shifts the reading frame from proline 1103.
Molecular consequence: frameshift variant.
Genome position (GRCh38, 1-based): chrX:74,741,249, G deleted on the plus strand (C on the coding strand, the reverse complement: NEXMIF is on the minus strand); the first of 3 consecutive G bases (chrX:74,741,249-74,741,251); deleting any one gives the same sequence. VCF-style (leftmost placement, unchanged base first): chrX-74741248-TG-T. GRCh37 (hg19) VCF-style: chrX-73961083-TG-T.
Other names: short protein forms P1103fs.
Identifiers: ClinVar variation 2029462 (VCV002029462.4), dbSNP rs2519912505, ClinGen allele CA2580101390.
Genomic context (GRCh38, chrX:74,741,248, plus strand): 5'-GACCTGCCGTGAAAGGGTACTGCAGTCCCACTTGATTTTTTCCACACTGTCCAATGGTCC[TG>T]GGACACCCTCTTGGAACCCCTTTAGTGTTCCTAGTGTCTTCATACTCTCACATCTGGTAA-3'

ClinVar aggregate classification (germline): Pathogenic (1 of 4 stars; one submission).

Submission:

Labcorp Genetics (formerly Invitae), Labcorp
Classification: Pathogenic. Last evaluated: 2022-09-07. Review status: criteria provided, single submitter. Criteria: Invitae Variant Classification Sherloc (09022015). Collection method: clinical testing. Allele origin: germline.
Comment: For these reasons, this variant has been classified as Pathogenic. This variant has not been reported in the literature in individuals affected with NEXMIF-related conditions. This variant is not present in population databases (gnomAD no frequency). This sequence change creates a premature translational stop signal (p.Pro1103Glnfs*29) in the NEXMIF gene. It is expected to result in an absent or disrupted protein product. Loss-of-function variants in NEXMIF are known to be pathogenic (PMID: 23615299).

Literature cited by the submitters: PubMed 23615299.